The following is an entry in ClinVar:

ClinVar aggregate classification (germline): Uncertain significance. Review status: criteria provided, multiple submitters, no conflicts (2 of 4 stars). 2 submissions from 2 submitters: Uncertain significance (2). Last evaluated 2025-03-30.

Conditions:
Catecholaminergic polymorphic ventricular tachycardia 1. Also called: VENTRICULAR TACHYCARDIA, STRESS-INDUCED POLYMORPHIC 1; VENTRICULAR TACHYCARDIA, CATECHOLAMINERGIC POLYMORPHIC, 1, WITH OR WITHOUT ATRIAL DYSFUNCTION AND/OR DILATED CARDIOMYOPATHY; RYR2-Related Catecholaminergic Polymorphic Ventricular Tachycardia. Identifiers: Orphanet 3286, MedGen C1631597, MONDO:0011484, OMIM 604772.

Submissions (2):

Labcorp Genetics (formerly Invitae), Labcorp
Classification: Uncertain significance for Catecholaminergic polymorphic ventricular tachycardia 1. Last evaluated: 2025-03-30. Review status: criteria provided, single submitter. Criteria: Invitae Variant Classification Sherloc (09022015). Collection method: clinical testing. Allele origin: germline.
Comment: This sequence change replaces isoleucine, which is neutral and non-polar, with valine, which is neutral and non-polar, at codon 632 of the RYR2 protein (p.Ile632Val). This variant is not present in population databases (gnomAD no frequency). This variant has not been reported in the literature in individuals affected with RYR2-related conditions. ClinVar contains an entry for this variant (Variation ID: 2804904). Invitae Evidence Modeling of protein sequence and biophysical properties (such as structural, functional, and spatial information, amino acid conservation, physicochemical variation, residue mobility, and thermodynamic stability) indicates that this missense variant is expected to disrupt RYR2 protein function with a positive predictive value of 95%. In summary, the available evidence is currently insufficient to determine the role of this variant in disease. Therefore, it has been classified as a Variant of Uncertain Significance.

Blueprint Genetics
Classification: Uncertain significance. Last evaluated: 2023-03-03. Review status: criteria provided, single submitter. Criteria: ACMG Guidelines, 2015. Collection method: clinical testing. Allele origin: germline.

NM_001035.3(RYR2):c.1894A>G (p.Ile632Val)

Gene: RYR2 (ryanodine receptor 2; plus strand). Cytogenetic location: 1q43.
Variant type: single nucleotide variant.
Coding change: c.1894A>G on transcript NM_001035.3 (MANE Select); coding-DNA position 1894, A replaced by G.
Protein change: p.Ile632Val; replaces isoleucine 632 with valine.
Molecular consequence: missense variant.
Genome position (GRCh38, 1-based): chr1:237,493,020, A>G. VCF-style: chr1-237493020-A-G. GRCh37 (hg19) VCF-style: chr1-237656320-A-G.
Other names: short protein forms I632V.
Identifiers: ClinVar variation 2804904 (VCV002804904.4), dbSNP rs2545802998, ClinGen allele CA345389531.